The following is an entry in ClinVar:

ClinVar aggregate classification (germline): Pathogenic (1 of 4 stars; one submission).

Conditions:
Neuromuscular disease caused by qualitative or quantitative defects of dysferlin. Also called: Dysferlinopathy; Qualitative or quantitative defects of dysferlin. Identifiers: Orphanet 207073, MedGen C2931687, MONDO:0016145.

Submission:

Labcorp Genetics (formerly Invitae), Labcorp
Classification: Pathogenic for Neuromuscular disease caused by qualitative or quantitative defects of dysferlin. Last evaluated: 2023-10-07. Review status: criteria provided, single submitter. Criteria: Invitae Variant Classification Sherloc (09022015). Collection method: clinical testing. Allele origin: germline.
Comment: This sequence change creates a premature translational stop signal (p.Cys1430*) in the DYSF gene. It is expected to result in an absent or disrupted protein product. Loss-of-function variants in DYSF are known to be pathogenic (PMID: 17698709, 20301480). This variant is not present in population databases (gnomAD no frequency). This variant has not been reported in the literature in individuals affected with DYSF-related conditions. For these reasons, this variant has been classified as Pathogenic.

Literature cited by the submitters: PubMed 17698709; PubMed 20301480.

NM_001130987.2(DYSF):c.4344_4345del (p.Cys1448_Asp1449delinsTer)

Gene: DYSF (dysferlin; plus strand). Cytogenetic location: 2p13.2.
Variant type: Microsatellite.
Coding change: c.4344_4345del on transcript NM_001130987.2 (MANE Select); coding-DNA positions 4344 to 4345, 2 bases deleted (TG; older notation c.4344_4345delTG).
Protein change: p.Cys1448_Asp1449delinsTer.
Molecular consequence: nonsense.
Genome position (GRCh38, 1-based): chr2:71,612,763-71,612,764, TG deleted; deleting any 2 consecutive bases within chr2:71,612,759-71,612,764 gives the same sequence; the c. name uses the placement nearest the transcript's 3' end. VCF-style (leftmost placement, unchanged base first): chr2-71612758-CTG-C. GRCh37 (hg19) VCF-style: chr2-71839888-CTG-C.
Other names: c.4293_4294del, p.Cys1431_Asp1432delinsTer (NM_001130455.2, NM_001130983.2); c.4248_4249del, p.Cys1416_Asp1417delinsTer (NM_001130976.2, NM_001130977.2); c.4290_4291del, p.Cys1430_Asp1431delinsTer (NM_001130978.2, NM_003494.4); c.4383_4384del, p.Cys1461_Asp1462delinsTer (NM_001130979.2); c.4341_4342del, p.Cys1447_Asp1448delinsTer (NM_001130980.2, NM_001130981.2); c.4386_4387del, p.Cys1462_Asp1463delinsTer (NM_001130982.2); c.4251_4252del, p.Cys1417_Asp1418delinsTer (NM_001130984.2, NM_001130986.2); c.4344_4345del, p.Cys1448_Asp1449delinsTer (NM_001130985.2).
Identifiers: ClinVar variation 2766722 (VCV002766722.3), dbSNP rs2546143756, ClinGen allele CA2577000527.